The following is an entry in ClinVar:

ClinVar aggregate classification (germline): Uncertain significance (1 of 4 stars; one submission).

Conditions:
Adenylosuccinate lyase deficiency (ADSLD). Also called: ADSL DEFICIENCY. Identifiers: Orphanet 46, MedGen C0268126, MONDO:0007068, OMIM 103050.

Submission:

Labcorp Genetics (formerly Invitae), Labcorp
Classification: Uncertain significance for Adenylosuccinate lyase deficiency. Last evaluated: 2023-11-25. Review status: criteria provided, single submitter. Criteria: Invitae Variant Classification Sherloc (09022015). Collection method: clinical testing. Allele origin: germline.
Comment: This variant occurs in a non-coding region of the ADSL gene. It does not change the encoded amino acid sequence of the ADSL protein. This variant is not present in population databases (gnomAD no frequency). This variant has not been reported in the literature in individuals affected with ADSL-related conditions. Experimental studies and prediction algorithms are not available or were not evaluated, and the functional significance of this variant is currently unknown. In summary, the available evidence is currently insufficient to determine the role of this variant in disease. Therefore, it has been classified as a Variant of Uncertain Significance.

NC_000022.11:g.40345726G>A

Gene: ADSL (adenylosuccinate lyase; plus strand). Cytogenetic location: 22q13.1.
Variant type: single nucleotide variant.
Genome position: GRCh38 VCF-style: chr22-40345726-G-A. GRCh37 (hg19) VCF-style: chr22-40741730-G-A.
Identifiers: ClinVar variation 2768537 (VCV002768537.3), dbSNP rs2518074353, ClinGen allele CA2697552773.
Genomic context (GRCh38, chr22:40,345,726, plus strand): 5'-TGTCGCCCAGGCTGGAGTGCAGTGGCGCGATCTTGGCTCACTGCAACCTCCGCCTTCCGG[G>A]TTCAAGAAATTCTCCTGTCTCAGCCTCACAAGTAGCTGAGACTACAGGTACAGGCCGCCA-3'